The following is an entry in ClinVar:

NM_022168.4(IFIH1):c.1948G>A (p.Asp650Asn)

Gene: IFIH1 (interferon induced with helicase C domain 1; minus strand). Cytogenetic location: 2q24.2.
Variant type: single nucleotide variant.
Coding change: c.1948G>A on transcript NM_022168.4 (MANE Select); coding-DNA position 1948, G replaced by A.
Protein change: p.Asp650Asn; replaces aspartic acid 650 with asparagine.
Molecular consequence: missense variant.
Genome position (GRCh38, 1-based): chr2:162,277,511, C>T on the plus strand (G>A on the coding strand, the complement: IFIH1 is on the minus strand). VCF-style: chr2-162277511-C-T. GRCh37 (hg19) VCF-style: chr2-163134021-C-T.
Other names: c.1948G>A, p.Asp650Asn (LRG_1235t1); short protein forms D650N.
Identifiers: ClinVar variation 664006 (VCV000664006.9), dbSNP rs567418553, ClinGen allele CA1934344.
Genomic context (GRCh38, chr2:162,277,511, plus strand): 5'-CCAGTTTCAAAGGTTTCTTTAAATCATCCTCATCTTCATCACCATCACAATACTCATCAT[C>T]ACCACCCTCATCACTATCATCTTCTATGACTGCAAACTTCTTATCTTTCTCTTCATTATA-3'
Protein context (NP_071451.2, residues 640-660): VIEDDSDEGG[Asp650Asn]DEYCDGDEDE

ClinVar aggregate classification (germline): Uncertain significance (1 of 4 stars; one submission).

Conditions:
Aicardi-Goutieres syndrome 7 (AGS7). Identifiers: Orphanet 51, MedGen C3888244, MONDO:0014367, OMIM 615846.
Singleton-Merten syndrome 1 (SGMRT1). Also called: Widened medullary cavities of bone, aortic calcification, abnormal dentition, and muscular weakness; Syndrome of widened medullary cavities of the metacarpals and phalanges, aortic calcification and abnormal dentition. Identifiers: Orphanet 85191, MedGen C4225427, MONDO:0024535, OMIM 182250.

Allele frequency attached by ClinVar (database versions not stated): gnomAD exomes 0.00003 and 0.00002; ExAC 0.00004; 1000 Genomes Project 0.00040; 1000 Genomes Project 30x 0.00047; gnomAD 0.00001; TOPMed 0.00001.
gnomAD v4.1: 35 of 1,582,004 alleles (0.0022%); highest among the groups gnomAD compares: East Asian, 0.027%; 1 homozygote.

Submission:

Labcorp Genetics (formerly Invitae), Labcorp
Classification: Uncertain significance for Aicardi-Goutieres syndrome 7; Singleton-Merten syndrome 1. Last evaluated: 2025-08-10. Review status: criteria provided, single submitter. Criteria: Invitae Variant Classification Sherloc (09022015). Collection method: clinical testing. Allele origin: germline.
Comment: This sequence change replaces aspartic acid, which is acidic and polar, with asparagine, which is neutral and polar, at codon 650 of the IFIH1 protein (p.Asp650Asn). This variant is present in population databases (rs567418553, gnomAD 0.02%). This variant has not been reported in the literature in individuals affected with IFIH1-related conditions. ClinVar contains an entry for this variant (Variation ID: 664006). Invitae Evidence Modeling of protein sequence and biophysical properties (such as structural, functional, and spatial information, amino acid conservation, physicochemical variation, residue mobility, and thermodynamic stability) has been performed for this missense variant. However, the output from this modeling did not meet the statistical confidence thresholds required to predict the impact of this variant on IFIH1 protein function. In summary, the available evidence is currently insufficient to determine the role of this variant in disease. Therefore, it has been classified as a Variant of Uncertain Significance.